The following is an entry in ClinVar:

NM_001123385.2(BCOR):c.3560A>G (p.His1187Arg)

Gene: BCOR (BCL6 corepressor; minus strand). Cytogenetic location: Xp11.4.
Variant type: single nucleotide variant.
Coding change: c.3560A>G on transcript NM_001123385.2 (MANE Select); coding-DNA position 3560, A replaced by G.
Protein change: p.His1187Arg; replaces histidine 1187 with arginine.
Molecular consequence: missense variant. On other transcripts: intron variant (4).
Genome position (GRCh38, 1-based): chrX:40,063,895, T>C on the plus strand (A>G on the coding strand, the complement: BCOR is on the minus strand). VCF-style: chrX-40063895-T-C. GRCh37 (hg19) VCF-style: chrX-39923148-T-C.
Other names: c.3560A>G, p.His1187Arg (NM_001437510.1, NM_001437511.1); c.3506A>G, p.His1169Arg (NM_001438207.1); c.3449-45A>G (NM_001123384.2); c.3503-45A>G (NM_001123383.2, NM_001438208.1, NM_017745.6); short protein forms H1187R, H1169R.
Identifiers: ClinVar variation 2261866 (VCV002261866.4), dbSNP rs375188183, ClinGen allele CA10386581.

ClinVar aggregate classification (germline): Uncertain significance. Review status: criteria provided, multiple submitters, no conflicts (2 of 4 stars). 2 submissions from 2 submitters: Uncertain significance (2). Last evaluated 2024-09-20.

Conditions:
Inborn genetic diseases. Identifiers: MedGen C0950123, MeSH D030342.

Allele frequency attached by ClinVar (database versions not stated): TOPMed below 0.00001; ExAC 0.00001; gnomAD exomes below 0.00001; ESP Exome Variant Server 0.00009.
gnomAD v4.1: 3 of 1,211,555 alleles (0.00025%); highest among the groups gnomAD compares: Non-Finnish European, 0.00022%; no homozygotes.

Submissions (2):

GeneDx
Classification: Uncertain significance. Last evaluated: 2024-09-20. Review status: criteria provided, single submitter. Criteria: GeneDx Variant Classification Process June 2021. Collection method: clinical testing. Allele origin: germline.
Comment: Not observed at significant frequency in large population cohorts (gnomAD); In silico analysis indicates that this missense variant does not alter protein structure/function; Has not been previously published as pathogenic or benign to our knowledge; Reported using an alternate transcript of the gene

Ambry Genetics
Classification: Uncertain significance for Inborn genetic diseases. Last evaluated: 2021-11-16. Review status: criteria provided, single submitter. Criteria: Ambry Variant Classification Scheme 2023. Collection method: clinical testing. Allele origin: germline.